The following is an entry in ClinVar:

NM_020964.3(EPG5):c.1952T>C (p.Leu651Pro)

Gene: EPG5 (ectopic P-granules 5 autophagy tethering factor; minus strand). Cytogenetic location: 18q21.1.
Variant type: single nucleotide variant.
Coding change: c.1952T>C on transcript NM_020964.3 (MANE Select); coding-DNA position 1952, T replaced by C.
Protein change: p.Leu651Pro; replaces leucine 651 with proline.
Molecular consequence: missense variant.
Genome position (GRCh38, 1-based): chr18:45,939,747, A>G on the plus strand (T>C on the coding strand, the complement: EPG5 is on the minus strand). VCF-style: chr18-45939747-A-G. GRCh37 (hg19) VCF-style: chr18-43519713-A-G.
Other names: c.1952T>C, p.Leu651Pro (NM_001410858.1, NM_001410859.1); short protein forms L651P.
Identifiers: ClinVar variation 1956874 (VCV001956874.5), dbSNP rs2511991707, ClinGen allele CA402348196.

ClinVar aggregate classification (germline): Uncertain significance (1 of 4 stars; one submission).

Conditions:
Vici syndrome (VICIS). Identifiers: Orphanet 1493, MedGen C1855772, MONDO:0009452, OMIM 242840.

Submission:

Labcorp Genetics (formerly Invitae), Labcorp
Classification: Uncertain significance for Vici syndrome. Last evaluated: 2021-12-31. Review status: criteria provided, single submitter. Criteria: Invitae Variant Classification Sherloc (09022015). Collection method: clinical testing. Allele origin: germline.
Comment: This variant is not present in population databases (gnomAD no frequency). In summary, the available evidence is currently insufficient to determine the role of this variant in disease. Therefore, it has been classified as a Variant of Uncertain Significance. Algorithms developed to predict the effect of missense changes on protein structure and function are either unavailable or do not agree on the potential impact of this missense change (SIFT: "Deleterious"; PolyPhen-2: "Probably Damaging"; Align-GVGD: "Class C0"). This variant has not been reported in the literature in individuals affected with EPG5-related conditions. This sequence change replaces leucine, which is neutral and non-polar, with proline, which is neutral and non-polar, at codon 651 of the EPG5 protein (p.Leu651Pro).